The following is an entry in ClinVar:

NM_001042492.3(NF1):c.4957C>T (p.Arg1653Cys)

Gene: NF1 (neurofibromin 1; plus strand). Cytogenetic location: 17q11.2.
Variant type: single nucleotide variant.
Coding change: c.4957C>T on transcript NM_001042492.3 (MANE Select); coding-DNA position 4957, C replaced by T.
Protein change: p.Arg1653Cys; replaces arginine 1653 with cysteine.
Molecular consequence: missense variant.
Genome position (GRCh38, 1-based): chr17:31,325,941, C>T. VCF-style: chr17-31325941-C-T. GRCh37 (hg19) VCF-style: chr17-29652959-C-T.
Other names: c.4894C>T, p.Arg1632Cys (NM_000267.4); short protein forms R1632C, R1653C.
Identifiers: ClinVar variation 232686 (VCV000232686.14), dbSNP rs876659922, ClinGen allele CA10580331.

ClinVar aggregate classification (germline): Conflicting classifications of pathogenicity. Review status: criteria provided, conflicting classifications (1 of 4 stars). 4 submissions from 3 submitters: Uncertain significance (3); Likely benign (1). Last evaluated 2026-01-18.

Conditions:
Cardiovascular phenotype. Identifiers: MedGen CN230736.
Hereditary cancer-predisposing syndrome. Also called: Hereditary Cancer Syndrome; Neoplastic Syndromes, Hereditary; Tumor predisposition; Hereditary neoplastic syndrome. Identifiers: Orphanet 140162, MedGen C0027672, MeSH D009386, MONDO:0015356.
Neurofibromatosis, type 1 (NF1). Also called: Neurofibromatosis, type I; VON RECKLINGHAUSEN DISEASE; NEUROFIBROMATOSIS, TYPE I, SOMATIC; Peripheral type neurofibromatosis. Identifiers: Orphanet 636, MedGen C0027831, MONDO:0018975, OMIM 162200. Disease mechanism: loss of function.

Allele frequency attached by ClinVar (database versions not stated): gnomAD 0.00001; gnomAD exomes 0.00001; TOPMed 0.00001.
gnomAD v4.1: 6 of 1,614,074 alleles (0.00037%); highest among the groups gnomAD compares: Non-Finnish European, 0.00051%; no homozygotes.

Submissions (4):

Labcorp Genetics (formerly Invitae), Labcorp
Classification: Likely benign for Neurofibromatosis, type 1. Last evaluated: 2026-01-18. Review status: criteria provided, single submitter. Criteria: Invitae Variant Classification Sherloc (09022015). Collection method: clinical testing. Allele origin: germline.

Genome-Nilou Lab
Classification: Uncertain significance for Neurofibromatosis, type 1. Last evaluated: 2022-03-15. Review status: criteria provided, single submitter. Criteria: ACMG Guidelines, 2015. Collection method: clinical testing. Allele origin: germline. Affected: no.

Ambry Genetics
Classification: Uncertain significance for Cardiovascular phenotype; Hereditary cancer-predisposing syndrome. Last evaluated: 2019-02-11. Review status: criteria provided, single submitter. Criteria: Ambry Variant Classification Scheme 2023. Collection method: clinical testing. Allele origin: germline.

Ambry Genetics
Classification: Uncertain significance for Hereditary cancer-predisposing syndrome. Last evaluated: 2015-06-30. Review status: criteria provided, single submitter. Criteria: Ambry Autosomal Dominant and X-Linked criteria (10/2015). Collection method: clinical testing. Allele origin: germline. Observed: 1 variant allele.
Comment: The p.R1653C variant (also known as c.4957C>T), located in coding exon 37 of the NF1 gene, results from a C to T substitution at nucleotide position 4957. The arginine at codon 1653 is replaced by cysteine, an amino acid with highly dissimilar properties. This variant was not reported in population based cohorts in the following databases: Database of Single Nucleotide Polymorphisms (dbSNP), NHLBI Exome Sequencing Project (ESP), and 1000 Genomes Project. In the ESP, this variant was not observed in 6503 samples (13006 alleles) with coverage at this position. To date, this alteration has been detected with an allele frequency of approximately 0.002% (greater than 55000alleles tested) in our clinical cohort.This amino acid position is highly conserved in available vertebrate species. In addition, this alteration is predicted to be deleterious by in silico analysis.Since supporting evidence is limited at this time, the clinical significance of p.R1653Cremains unclear.